The following is an entry in ClinVar:

NM_020919.4(ALS2):c.3547G>A (p.Val1183Met)

Gene: ALS2 (alsin Rho guanine nucleotide exchange factor ALS2; minus strand). Cytogenetic location: 2q33.1.
Variant type: single nucleotide variant.
Coding change: c.3547G>A on transcript NM_020919.4 (MANE Select); coding-DNA position 3547, G replaced by A.
Protein change: p.Val1183Met; replaces valine 1183 with methionine.
Molecular consequence: missense variant.
Genome position (GRCh38, 1-based): chr2:201,723,407, C>T on the plus strand (G>A on the coding strand, the complement: ALS2 is on the minus strand). VCF-style: chr2-201723407-C-T. GRCh37 (hg19) VCF-style: chr2-202588130-C-T.
Other names: short protein forms V1183M.
Identifiers: ClinVar variation 851447 (VCV000851447.7), dbSNP rs762235200, ClinGen allele CA2057841.
Genomic context (GRCh38, chr2:201,723,407, plus strand): 5'-GAAAGTTGCCCTCGTAGTATAATCCAAACTGGGTAACCACCACACCATTCCCTTGACACA[C>T]ATCATCTTGCCACATTCCCATATACTTTTCCCCCCTGCACAGAAATAAAAAGAAAAGAAA-3'
Protein context (NP_065970.2, residues 1173-1193): EKYMGMWQDD[Val1183Met]CQGNGVVVTQ

ClinVar aggregate classification (germline): Uncertain significance (1 of 4 stars; one submission).

Conditions:
Infantile-onset ascending hereditary spastic paralysis (IAHSP). Also called: Infantile-Onset Ascending Hereditary Spastic Paralysis (IAHSP); Autosomal Recessive Juvenile Amyotrophic Lateral Sclerosis. Identifiers: Orphanet 293168, MedGen C2931441, MONDO:0011797, OMIM 607225. Disease mechanism: loss of function.

Allele frequency attached by ClinVar (database versions not stated): gnomAD 0.00001; TOPMed 0.00002; gnomAD exomes 0.00005 and 0.00010; ExAC 0.00011.
gnomAD v4.1: 68 of 1,613,988 alleles (0.0042%); highest among the groups gnomAD compares: South Asian, 0.071%; no homozygotes.

Submission:

Labcorp Genetics (formerly Invitae), Labcorp
Classification: Uncertain significance for Infantile-onset ascending hereditary spastic paralysis. Last evaluated: 2019-02-05. Review status: criteria provided, single submitter. Criteria: Invitae Variant Classification Sherloc (09022015). Collection method: clinical testing. Allele origin: germline.
Comment: This variant is present in population databases (rs762235200, ExAC 0.08%). This sequence change replaces valine with methionine at codon 1183 of the ALS2 protein (p.Val1183Met). The valine residue is weakly conserved and there is a small physicochemical difference between valine and methionine. This variant has not been reported in the literature in individuals with ALS2-related conditions. In summary, the available evidence is currently insufficient to determine the role of this variant in disease. Therefore, it has been classified as a Variant of Uncertain Significance. Algorithms developed to predict the effect of missense changes on protein structure and function output the following: SIFT: "Tolerated"; PolyPhen-2: "Benign"; Align-GVGD: "Class C0". The methionine amino acid residue is found in multiple mammalian species, suggesting that this missense change does not adversely affect protein function. These predictions have not been confirmed by published functional studies and their clinical significance is uncertain.